The following is an entry in ClinVar:

NM_001128174.3(UGT8):c.18A>G (p.Pro6=)

Gene: UGT8 (UDP glycosyltransferase 8; plus strand). Cytogenetic location: 4q26.
Variant type: single nucleotide variant.
Coding change: c.18A>G on transcript NM_001128174.3 (MANE Select); coding-DNA position 18, A replaced by G.
Protein change: p.Pro6=; no amino-acid change (proline 6 retained).
Molecular consequence: synonymous variant.
Genome position (GRCh38, 1-based): chr4:114,622,898, A>G. VCF-style: chr4-114622898-A-G. GRCh37 (hg19) VCF-style: chr4-115544054-A-G.
Other names: c.18A>G, p.Pro6= (NM_001322112.2, NM_001322113.2, NM_001322114.2 and 1 more transcripts).
Identifiers: ClinVar variation 2655046 (VCV002655046.24), dbSNP rs150419642, ClinGen allele CA3053421.
Genomic context (GRCh38, chr4:114,622,898, plus strand): 5'-ATTGTATTTTGTTTTAAGTTGTTTTCTGGTTGTTATTACAGCTATGAAGTCTTACACTCC[A>G]TATTTCATTCTCCTGTGGAGTGCTGTTGGGATAGCGAAGGCTGCCAAAATCATCATCGTG-3'
Protein context (NP_001121646.2, residues 1-16): MKSYT[Pro6=]YFILLWSAVG

ClinVar aggregate classification (germline): Likely benign (1 of 4 stars; one submission).

Allele frequency attached by ClinVar (database versions not stated): TOPMed 0.00113; ESP Exome Variant Server 0.00115; ExAC 0.00149; gnomAD exomes 0.00155; gnomAD 0.00181.
gnomAD v4.1: 2,514 of 1,613,114 alleles (0.16%); highest among the groups gnomAD compares: Non-Finnish European, 0.17%; 7 homozygotes.

Submission:

CeGaT Center for Human Genetics Tuebingen
Classification: Likely benign. Last evaluated: 2022-05-01. Review status: criteria provided, single submitter. Criteria: CeGaT Center For Human Genetics Tuebingen Variant Classification Criteria Version 2. Collection method: clinical testing. Allele origin: germline. Affected: yes. Observed: 1 variant allele.
Comment: UGT8: BP4, BP7